The following is an entry in ClinVar:

ClinVar aggregate classification (germline): Uncertain significance (1 of 4 stars; one submission).

Conditions:
Cardiovascular phenotype. Identifiers: MedGen CN230736.

Submission:

Ambry Genetics
Classification: Uncertain significance for Cardiovascular phenotype. Last evaluated: 2026-04-14. Review status: criteria provided, single submitter. Criteria: Ambry Variant Classification Scheme 2023. Collection method: clinical testing. Allele origin: germline.
Comment: The p.G522S variant (also known as c.1564G>A), located in coding exon 1 of the ZNF469 gene, results from a G to A substitution at nucleotide position 1564. The glycine at codon 522 is replaced by serine, an amino acid with similar properties. This amino acid position is conserved. In addition, this alteration is predicted to be tolerated by in silico analysis. Based on the available evidence, the clinical significance of this variant remains unclear.

NM_001367624.2(ZNF469):c.1564G>A (p.Gly522Ser)

Gene: ZNF469 (zinc finger protein 469; plus strand). Cytogenetic location: 16q24.2.
Variant type: single nucleotide variant.
Coding change: c.1564G>A on transcript NM_001367624.2 (MANE Select); coding-DNA position 1564, G replaced by A.
Protein change: p.Gly522Ser; replaces glycine 522 with serine.
Molecular consequence: missense variant.
Genome position (GRCh38, 1-based): chr16:88,429,034, G>A. VCF-style: chr16-88429034-G-A. GRCh37 (hg19) VCF-style: chr16-88495442-G-A.
Other names: NM_001127464.1:c.1564G>A; short protein forms G522S.
Identifiers: ClinVar variation 4866990 (VCV004866990.1).